The following is an entry in ClinVar:

GRCh38/hg38 2q13-14.1(chr2:110684553-112308202)x3

Genes: ACOXL (acyl-CoA oxidase like; plus strand), ACOXL-AS1 (ACOXL antisense RNA 1; minus strand), ANAPC1 (anaphase promoting complex subunit 1; minus strand), BCL2L11 (BCL2 like 11; plus strand), FBLN7 (fibulin 7; plus strand) and 44 more. Cytogenetic location: 2q13-14.1.
Variant type: copy number gain.
Change: copy number 3 (three copies instead of two) of chr2:110,684,553-112,308,202 (1.62 Mb, GRCh38 coordinates, 1-based), cytogenetic band 2q13-14.1.
Identifiers: ClinVar variation 161046 (VCV000161046.1).

ClinVar aggregate classification (germline): Uncertain significance (1 of 4 stars; one submission).

Submission:

ISCA site 4
Classification: Uncertain significance. Last evaluated: 2011-08-12. Review status: criteria provided, single submitter. Criteria: Kaminsky et al. (Genet Med. 2011). Collection method: clinical testing. Allele origin: paternal. Affected: yes. Observed: 2 variant alleles.
Comment: Copy number variation identified through the course of routine clinical cytogenomic testing in postnatal populations. Clinical assertions have been curated as described in Kaminsky et al. 2011.